The following is an entry in ClinVar:

ClinVar aggregate classification (germline): Pathogenic (1 of 4 stars; one submission).

Allele frequency attached by ClinVar (database versions not stated): gnomAD 0.00001.

Submission:

Labcorp Genetics (formerly Invitae), Labcorp
Classification: Pathogenic. Last evaluated: 2019-12-07. Review status: criteria provided, single submitter. Criteria: Invitae Variant Classification Sherloc (09022015). Collection method: clinical testing. Allele origin: germline.
Comment: For these reasons, this variant has been classified as Pathogenic. Loss-of-function variants in SPG20 are known to be pathogenic (PMID: 18413476, 20437587, 20504295). This variant has not been reported in the literature in individuals with SPG20-related conditions. This variant is not present in population databases (ExAC no frequency). This sequence change creates a premature translational stop signal (p.Gln130*) in the SPG20 gene. It is expected to result in an absent or disrupted protein product.

Literature cited by the submitters: PubMed 18413476; PubMed 20437587; PubMed 20504295.

NM_015087.5(SPART):c.388C>T (p.Gln130Ter)

Gene: SPART (spartin; minus strand). Cytogenetic location: 13q13.3.
Variant type: single nucleotide variant.
Coding change: c.388C>T on transcript NM_015087.5 (MANE Select); coding-DNA position 388, C replaced by T.
Protein change: p.Gln130Ter; replaces glutamine 130 with a stop codon.
Molecular consequence: nonsense.
Genome position (GRCh38, 1-based): chr13:36,335,443, G>A on the plus strand (C>T on the coding strand, the complement: SPART is on the minus strand). VCF-style: chr13-36335443-G-A. GRCh37 (hg19) VCF-style: chr13-36909580-G-A.
Other names: c.388C>T, p.Gln130Ter (NM_001142294.2, NM_001142295.2, NM_001142296.2); short protein forms Q130*.
Identifiers: ClinVar variation 863112 (VCV000863112.7), dbSNP rs1233117382, ClinGen allele CA387863910.